The following is an entry in ClinVar:

ClinVar aggregate classification (germline): Uncertain significance. Review status: criteria provided, multiple submitters, no conflicts (2 of 4 stars). 4 submissions from 4 submitters: Uncertain significance (4). Last evaluated 2026-04-09.

Conditions:
Cardiovascular phenotype. Identifiers: MedGen CN230736.
Brugada syndrome. Also called: Sudden unexpected nocturnal death syndrome; Sudden unexplained nocturnal death syndrome; Sudden Unexplained Death Syndrome; Sudden Unexplained Nocturnal Death Syndrome (SUNDS). Identifiers: Orphanet 130, MedGen C1142166, MONDO:0015263.
SCN10A-related disorder. Also called: SCN10A-related condition.
Episodic pain syndrome, familial, 2 (FEPS2). Identifiers: Orphanet 306577, MedGen C3809893, MONDO:0014246, OMIM 615551.

Allele frequency attached by ClinVar (database versions not stated): gnomAD exomes below 0.00001; gnomAD 0.00001; TOPMed 0.00001.
gnomAD v4.1: 33 of 1,614,136 alleles (0.002%); highest among the groups gnomAD compares: African/African-American, 0.023%; no homozygotes.

Submissions (4):

PreventionGenetics, part of Exact Sciences
Classification: Uncertain significance for SCN10A-related condition. Last evaluated: 2026-04-09. Review status: criteria provided, single submitter. Criteria: ACMG Guidelines, 2015. Collection method: clinical testing. Allele origin: germline.
Comment: The SCN10A c.3421G>A variant is predicted to result in the amino acid substitution p.Val1141Met. To our knowledge, this variant has not been reported in the literature. This variant is reported in 0.0040% of alleles in individuals of African descent in gnomAD. At this time, the clinical significance of this variant is uncertain due to the absence of conclusive functional and genetic evidence.

Ambry Genetics
Classification: Uncertain significance for Cardiovascular phenotype. Last evaluated: 2025-03-25. Review status: criteria provided, single submitter. Criteria: Ambry Variant Classification Scheme 2023. Collection method: clinical testing. Allele origin: germline.
Comment: The p.V1141M variant (also known as c.3421G>A), located in coding exon 19 of the SCN10A gene, results from a G to A substitution at nucleotide position 3421. The valine at codon 1141 is replaced by methionine, an amino acid with highly similar properties. This amino acid position is conserved. In addition, this alteration is predicted to be tolerated by in silico analysis. Based on the available evidence, the clinical significance of this variant remains unclear.

Labcorp Genetics (formerly Invitae), Labcorp
Classification: Uncertain significance for Brugada syndrome. Last evaluated: 2024-08-06. Review status: criteria provided, single submitter. Criteria: Invitae Variant Classification Sherloc (09022015). Collection method: clinical testing. Allele origin: germline.
Comment: This sequence change replaces valine, which is neutral and non-polar, with methionine, which is neutral and non-polar, at codon 1141 of the SCN10A protein (p.Val1141Met). This variant is present in population databases (rs112412281, gnomAD 0.004%). This variant has not been reported in the literature in individuals affected with SCN10A-related conditions. ClinVar contains an entry for this variant (Variation ID: 856004). Advanced modeling of protein sequence and biophysical properties (such as structural, functional, and spatial information, amino acid conservation, physicochemical variation, residue mobility, and thermodynamic stability) performed at Invitae indicates that this missense variant is not expected to disrupt SCN10A protein function with a negative predictive value of 80%. In summary, the available evidence is currently insufficient to determine the role of this variant in disease. Therefore, it has been classified as a Variant of Uncertain Significance.

Fulgent Genetics
Classification: Uncertain significance for Episodic pain syndrome, familial, 2. Last evaluated: 2021-10-06. Review status: criteria provided, single submitter. Criteria: ACMG Guidelines, 2015. Collection method: clinical testing. Allele origin: unknown.

NM_006514.4(SCN10A):c.3421G>A (p.Val1141Met)

Genes: SCN10A (sodium voltage-gated channel alpha subunit 10; minus strand), LOC110121288 (VISTA enhancer hs2268; plus strand). Cytogenetic location: 3p22.2.
Variant type: single nucleotide variant.
Coding change: c.3421G>A on transcript NM_006514.4 (MANE Select); coding-DNA position 3421, G replaced by A.
Protein change: p.Val1141Met; replaces valine 1141 with methionine.
Molecular consequence: missense variant.
Genome position (GRCh38, 1-based): chr3:38,722,344, C>T on the plus strand (G>A on the coding strand, the complement: SCN10A is on the minus strand). VCF-style: chr3-38722344-C-T. GRCh37 (hg19) VCF-style: chr3-38763835-C-T.
Other names: c.3418G>A, p.Val1140Met (NM_001293306.2); c.3127G>A, p.Val1043Met (NM_001293307.2); c.3421G>A (NM_006514.2); short protein forms V1140M, V1043M, V1141M.
Identifiers: ClinVar variation 856004 (VCV000856004.9), dbSNP rs112412281, ClinGen allele CA72957780.